The following is an entry in ClinVar:

NM_015272.5(RPGRIP1L):c.2305-15del

Gene: RPGRIP1L (RPGRIP1 like; minus strand). Cytogenetic location: 16q12.2.
Variant type: Deletion.
Coding change: c.2305-15del on transcript NM_015272.5 (MANE Select); 15 bases into the intron before coding-DNA position 2305, one base deleted (T; older notation c.2305-15delT).
Molecular consequence: intron variant.
Genome position (GRCh38, 1-based): chr16:53,646,018, A deleted on the plus strand (T on the coding strand, the reverse complement: RPGRIP1L is on the minus strand). VCF-style (leftmost placement, unchanged base first): chr16-53646017-CA-C. GRCh37 (hg19) VCF-style: chr16-53679929-CA-C.
Other names: c.2305-15delT (NM_015272.4); c.2305-15del (NM_001127897.4, NM_001330538.2, NM_001308334.3).
Identifiers: ClinVar variation 2085750 (VCV002085750.2), dbSNP rs1250768770, ClinGen allele CA622655330.
Genomic context (GRCh38, chr16:53,646,017, plus strand): 5'-GAATCTGTAGAACTGAGTTGAGCAGTTTTGGGTGCTTGCTGACTTAACTGGAAAAACATA[CA>C]TATTTATATTAAGGAAATAACACAGTTAAAAGATGAACAGCAGCTGCCAAGCCCCAAATA-3'

ClinVar aggregate classification (germline): Conflicting classifications of pathogenicity. Review status: criteria provided, conflicting classifications (1 of 4 stars). 2 submissions from 2 submitters: Pathogenic (1); Uncertain significance (1). Last evaluated 2023-07-17.

Conditions:
Joubert syndrome. Also called: CEREBELLOPARENCHYMAL DISORDER IV; JOUBERT-BOLTSHAUSER SYNDROME; Familial aplasia of the vermis. Identifiers: Orphanet 475, MedGen C5979921, MONDO:0018772.
Meckel-Gruber syndrome. Also called: DYSENCEPHALIA SPLANCHNOCYSTICA; GRUBER SYNDROME; Dysencephalia splachnocystica. Identifiers: Orphanet 564, MedGen C0265215, MONDO:0018921.
Joubert syndrome 7 (JBTS7). Identifiers: Orphanet 220497, MedGen C1969053, MONDO:0012694, OMIM 611560.

Allele frequency attached by ClinVar (database versions not stated): TOPMed below 0.00001; gnomAD 0.00001; gnomAD exomes 0.00002.

Submissions (2):

Victorian Clinical Genetics Services, Murdoch Childrens Research Institute
Classification: Pathogenic for Joubert syndrome 7. Last evaluated: 2023-07-17. Review status: criteria provided, single submitter. Criteria: ACMG Guidelines, 2015. Collection method: clinical testing. Allele origin: germline. Inheritance: Autosomal recessive inheritance. Affected: yes.
Comment: Based on the classification scheme VCGS_Germline_v1.3.4, this variant is classified as Pathogenic. Following criteria are met: 0102 - Loss of function is a known mechanism of disease in this gene and is associated with Joubert syndrome 7 (MIM#611560) and Meckel syndrome 5 (MIM#611561). (I) 0106 - This gene is associated with autosomal recessive disease. (I) 0210 - Splice site variant proven to affect splicing of the transcript with a known effect on protein sequence. RNA sequencing using a fibroblast cell line of this individual showed exon 17 skipping in ~35.7% of reads (RDNow study), which is predicted to result in nonsense-mediated decay (NMD). (SP) 0251 - This variant is heterozygous. (I) 0304 - Variant is present in gnomAD <0.01 for a recessive condition (2 heterozygotes, 0 homozygotes). (SP) 0701 - Other variants comparable to the one identified in this case have very strong previous evidence for pathogenicity. Many NMD-predicted variants in this gene have been reported as likely pathogenic/pathogenic (ClinVar). (SP) 0809 - Previous evidence of pathogenicity for this variant is inconclusive. This variant has been reported by a clinical testing laboratory as a VUS; however, it is unclear whether it was detected in an affected individual (ClinVar). (I) 0905 - No published segregation evidence has been identified for this variant. (I) 1007 - No published functional evidence has been identified for this variant. (I) Legend: (SP) - Supporting pathogenic, (I) - Information, (SB) - Supporting benign

Labcorp Genetics (formerly Invitae), Labcorp
Classification: Uncertain significance for Joubert syndrome; Meckel-Gruber syndrome. Last evaluated: 2022-05-20. Review status: criteria provided, single submitter. Criteria: Invitae Variant Classification Sherloc (09022015). Collection method: clinical testing. Allele origin: germline.
Comment: This sequence change falls in intron 16 of the RPGRIP1L gene. It does not directly change the encoded amino acid sequence of the RPGRIP1L protein. This variant is present in population databases (no rsID available, gnomAD 0.007%). This variant has not been reported in the literature in individuals affected with RPGRIP1L-related conditions. Algorithms developed to predict the effect of sequence changes on RNA splicing suggest that this variant may disrupt the consensus splice site. In summary, the available evidence is currently insufficient to determine the role of this variant in disease. Therefore, it has been classified as a Variant of Uncertain Significance.